The following is an entry in ClinVar:

NM_001329943.3(KIAA0586):c.3322A>G (p.Ile1108Val)

Gene: KIAA0586 (KIAA0586; plus strand). Cytogenetic location: 14q23.1.
Variant type: single nucleotide variant.
Coding change: c.3322A>G on transcript NM_001329943.3 (MANE Select); coding-DNA position 3322, A replaced by G.
Protein change: p.Ile1108Val; replaces isoleucine 1108 with valine.
Molecular consequence: missense variant.
Genome position (GRCh38, 1-based): chr14:58,487,904, A>G. VCF-style: chr14-58487904-A-G. GRCh37 (hg19) VCF-style: chr14-58954622-A-G.
Other names: c.3481A>G, p.Ile1161Val (NM_001244189.2); c.3277A>G, p.Ile1093Val (NM_001244190.2); c.3067A>G, p.Ile1023Val (NM_001244191.2, NM_001329945.2, NM_001364700.1 and 1 more transcripts); c.3190A>G, p.Ile1064Val (NM_001244192.2); c.2902A>G, p.Ile968Val (NM_001244193.2); c.3322A>G, p.Ile1108Val (NM_001329944.2, NM_001329946.2, NM_001329947.2); c.3094A>G, p.Ile1032Val (NM_014749.5); short protein forms I1093V, I968V, I1023V, I1032V, I1064V, I1108V, I1161V.
Identifiers: ClinVar variation 2159022 (VCV002159022.4), dbSNP rs1414599775, ClinGen allele CA389881595.

ClinVar aggregate classification (germline): Uncertain significance (1 of 4 stars; one submission).

Conditions:
Short-rib thoracic dysplasia 14 with polydactyly (SRTD14). Identifiers: Orphanet 397715, MedGen C4225286, MONDO:0014688, OMIM 616546.
Joubert syndrome 23 (JBTS23). Identifiers: Orphanet 475, MedGen C4084822, MONDO:0014664, OMIM 616490.

Allele frequency attached by ClinVar (database versions not stated): gnomAD exomes below 0.00001.
gnomAD v4.1: 3 of 1,612,618 alleles (0.00019%); highest among the groups gnomAD compares: Non-Finnish European, 0.00025%; no homozygotes.

Submission:

Labcorp Genetics (formerly Invitae), Labcorp
Classification: Uncertain significance for Joubert syndrome 23; Short-rib thoracic dysplasia 14 with polydactyly. Last evaluated: 2022-02-12. Review status: criteria provided, single submitter. Criteria: Invitae Variant Classification Sherloc (09022015). Collection method: clinical testing. Allele origin: germline.
Comment: This variant is not present in population databases (gnomAD no frequency). In summary, the available evidence is currently insufficient to determine the role of this variant in disease. Therefore, it has been classified as a Variant of Uncertain Significance. Algorithms developed to predict the effect of missense changes on protein structure and function output the following: SIFT: "Tolerated"; PolyPhen-2: "Benign"; Align-GVGD: "Class C0". The valine amino acid residue is found in multiple mammalian species, which suggests that this missense change does not adversely affect protein function. This variant has not been reported in the literature in individuals affected with KIAA0586-related conditions. This sequence change replaces isoleucine, which is neutral and non-polar, with valine, which is neutral and non-polar, at codon 1161 of the KIAA0586 protein (p.Ile1161Val).